The following is an entry in ClinVar:

NM_001558.4(IL10RA):c.1093A>G (p.Ser365Gly)

Gene: IL10RA (interleukin 10 receptor subunit alpha; plus strand). Cytogenetic location: 11q23.3.
Variant type: single nucleotide variant.
Coding change: c.1093A>G on transcript NM_001558.4 (MANE Select); coding-DNA position 1093, A replaced by G.
Protein change: p.Ser365Gly; replaces serine 365 with glycine.
Molecular consequence: missense variant. On other transcripts: non-coding transcript variant (1).
Genome position (GRCh38, 1-based): chr11:117,998,997, A>G. VCF-style: chr11-117998997-A-G. GRCh37 (hg19) VCF-style: chr11-117869712-A-G.
Other names: short protein forms S365G.
Identifiers: ClinVar variation 2864056 (VCV002864056.3), dbSNP rs1241186979, ClinGen allele CA382779557.
Genomic context (GRCh38, chr11:117,998,997, plus strand): 5'-GACAGAACGCTGGGAAACAGGGAGCCCCCTGTGCTGGGGGACAGCTGCAGTAGTGGCAGC[A>G]GCAATAGCACAGACAGCGGGATCTGCCTGCAGGAGCCCAGCCTGAGCCCCAGCACAGGGC-3'
Protein context (NP_001549.2, residues 355-375): VLGDSCSSGS[Ser365Gly]NSTDSGICLQ

ClinVar aggregate classification (germline): Uncertain significance (1 of 4 stars; one submission).

Conditions:
Inflammatory bowel disease 28. Also called: Inflammatory bowel disease 28, early onset, autosomal recessive. Identifiers: Orphanet 238569, MedGen C2751053, MONDO:0013153, OMIM 613148.

Submission:

Labcorp Genetics (formerly Invitae), Labcorp
Classification: Uncertain significance for Inflammatory bowel disease 28. Last evaluated: 2023-05-21. Review status: criteria provided, single submitter. Criteria: Invitae Variant Classification Sherloc (09022015). Collection method: clinical testing. Allele origin: germline.
Comment: In summary, the available evidence is currently insufficient to determine the role of this variant in disease. Therefore, it has been classified as a Variant of Uncertain Significance. Advanced modeling of protein sequence and biophysical properties (such as structural, functional, and spatial information, amino acid conservation, physicochemical variation, residue mobility, and thermodynamic stability) performed at Invitae indicates that this missense variant is not expected to disrupt IL10RA protein function. This variant has not been reported in the literature in individuals affected with IL10RA-related conditions. This variant is present in population databases (no rsID available, gnomAD 0.0009%). This sequence change replaces serine, which is neutral and polar, with glycine, which is neutral and non-polar, at codon 365 of the IL10RA protein (p.Ser365Gly).